The following is an entry in ClinVar:

ClinVar aggregate classification (germline): Conflicting classifications of pathogenicity. Review status: criteria provided, conflicting classifications (1 of 4 stars). 5 submissions from 5 submitters: Uncertain significance (2); Likely benign (2). 1 of the submissions does not count toward it. Last evaluated 2023-10-01.

Conditions:
Inborn genetic diseases. Identifiers: MedGen C0950123, MeSH D030342.
NLRP7-related disorder. Also called: NLRP7-related condition.
Hydatidiform mole, recurrent, 1 (HYDM1). Identifiers: Orphanet 254688, Orphanet 99927, MedGen C3463897, MONDO:0009273, OMIM 231090. Disease mechanism: loss of function.

Allele frequency attached by ClinVar (database versions not stated): 1000 Genomes Project 30x 0.00016; 1000 Genomes Project 0.00020; gnomAD exomes 0.00038 and 0.00068; gnomAD 0.00043 and 0.00044; TOPMed 0.00049; ExAC 0.00052; ESP Exome Variant Server 0.00085.
gnomAD v4.1: 661 of 1,614,210 alleles (0.041%); highest among the groups gnomAD compares: Admixed American, 0.027%; 3 homozygotes.

Submissions (6):

CeGaT Center for Human Genetics Tuebingen
Classification: Likely benign. Last evaluated: 2023-10-01. Review status: criteria provided, single submitter. Criteria: CeGaT Center For Human Genetics Tuebingen Variant Classification Criteria Version 2. Collection method: clinical testing. Allele origin: germline. Affected: yes. Observed: 1 variant allele.
Comment: NLRP7: BP4, BS2

Ambry Genetics
Classification: Likely benign for Inborn genetic diseases. Last evaluated: 2021-12-07. Review status: criteria provided, single submitter. Criteria: Ambry Variant Classification Scheme 2023. Collection method: clinical testing. Allele origin: germline.

Illumina Laboratory Services, Illumina
Classification: Uncertain significance for Hydatidiform mole, recurrent, 1. Last evaluated: 2017-04-27. Review status: criteria provided, single submitter. Criteria: ICSL Variant Classification Criteria 13 December 2019. Collection method: clinical testing. Allele origin: germline.

Breakthrough Genomics
Classification: Uncertain significance. Review status: criteria provided, single submitter. Criteria: ACMG Guidelines, 2015. Collection method: not provided. Allele origin: germline. Inheritance: Autosomal dominant inheritance. Affected: yes.

PreventionGenetics, part of Exact Sciences
Classification: Benign for NLRP7-related condition. Last evaluated: 2019-11-25. Review status: no assertion criteria provided. Collection method: clinical testing. Allele origin: germline. Not counted in ClinVar's aggregate classification.
Comment: This variant is classified as benign based on ACMG/AMP sequence variant interpretation guidelines (Richards et al. 2015 PMID: 25741868, with internal and published modifications).

Dr. Peter K. Rogan Lab, Western University
No classification provided (evidence only). Condition: Thyroid cancer, nonmedullary, 1. Review status: no classification provided. Collection method: in vitro. Allele origin: not applicable. Functional consequence: retained intron. Not counted in ClinVar's aggregate classification.

NM_001127255.2(NLRP7):c.1762G>A (p.Val588Met)

Gene: NLRP7 (NLR family pyrin domain containing 7; minus strand). Cytogenetic location: 19q13.42.
Variant type: single nucleotide variant.
Coding change: c.1762G>A on transcript NM_001127255.2 (MANE Select); coding-DNA position 1762, G replaced by A.
Protein change: p.Val588Met; replaces valine 588 with methionine.
Molecular consequence: missense variant.
Genome position (GRCh38, 1-based): chr19:54,939,057, C>T on the plus strand (G>A on the coding strand, the complement: NLRP7 is on the minus strand). VCF-style: chr19-54939057-C-T. GRCh37 (hg19) VCF-style: chr19-55450425-C-T.
Other names: NC_000019.9:g.55450425C>T; c.1762G>A, p.Val588Met (NM_001405531.1, NM_139176.4, NM_206828.4); short protein forms V588M.
Identifiers: ClinVar variation 893605 (VCV000893605.35), dbSNP rs146872991, ClinGen allele CA310017304.